The following is an entry in ClinVar:

ClinVar aggregate classification (germline): Likely benign. Review status: criteria provided, multiple submitters, no conflicts (2 of 4 stars). 2 submissions from 2 submitters: Likely benign (2). Last evaluated 2025-10-28.

Submissions (2):

Women's Health and Genetics/Laboratory Corporation of America, LabCorp
Classification: Likely benign. Last evaluated: 2025-10-28. Review status: criteria provided, single submitter. Criteria: LabCorp Variant Classification Summary - May 2015. Collection method: clinical testing. Allele origin: germline.
Comment: Variant summary: SRCAP c.8305_8313dupCAGCAGCGG (p.Gln2769_Arg2771dup) results in an in-frame duplication that is predicted to duplicate three amino acids into the encoded protein. The variant allele was found at a frequency of 0.00025 in 215562 control chromosomes, predominantly at a frequency of 0.0031 within the African or African-American subpopulation in the gnomAD database. The observed variant frequency within African or African-American control individuals in the gnomAD database exceeds the estimated maximal expected allele frequency for disease-causing variants in SRCAP. To our knowledge, no occurrence of c.8305_8313dupCAGCAGCGG in individuals affected with SRCAP-related conditions and no experimental evidence demonstrating its impact on protein function have been reported. ClinVar contains an entry for this variant (Variation ID: 1549370). Based on the evidence outlined above, the variant was classified as likely benign.

Labcorp Genetics (formerly Invitae), Labcorp
Classification: Likely benign. Last evaluated: 2025-08-29. Review status: criteria provided, single submitter. Criteria: Invitae Variant Classification Sherloc (09022015). Collection method: clinical testing. Allele origin: germline.

NM_006662.3(SRCAP):c.8305_8313dup (p.Gln2769_Arg2771dup)

Gene: SRCAP (Snf2 related CREBBP activator protein; plus strand). Cytogenetic location: 16p11.2.
Variant type: Duplication.
Coding change: c.8305_8313dup on transcript NM_006662.3 (MANE Select); coding-DNA positions 8305 to 8313, 9 bases duplicated (CAGCAGCGG; older notation c.8305_8313dupCAGCAGCGG).
Protein change: p.Gln2769_Arg2771dup.
Molecular consequence: inframe insertion.
Genome position (GRCh38, 1-based): chr16:30,738,345-30,738,353, CAGCAGCGG duplicated; duplicating any 9 consecutive bases within chr16:30,738,341-30,738,353 gives the same sequence; the c. name uses the placement nearest the transcript's 3' end. VCF-style (leftmost placement, unchanged base first): chr16-30738340-G-GGCGGCAGCA. GRCh37 (hg19) VCF-style: chr16-30749661-G-GGCGGCAGCA.
Other names: c.8305_8313dupCAGCAGCGG (NM_006662.3).
Identifiers: ClinVar variation 1549370 (VCV001549370.9), dbSNP rs542757742, ClinGen allele CA8012654.